The following is an entry in ClinVar:

ClinVar aggregate classification (germline): Uncertain significance (1 of 4 stars; one submission).

Conditions:
Cardiovascular phenotype. Identifiers: MedGen CN230736.

Submission:

Ambry Genetics
Classification: Uncertain significance for Cardiovascular phenotype. Last evaluated: 2022-05-30. Review status: criteria provided, single submitter. Criteria: Ambry Variant Classification Scheme 2023. Collection method: clinical testing. Allele origin: germline.
Comment: The p.Q3275R variant (also known as c.9824A>G), located in coding exon 41 of the AKAP9 gene, results from an A to G substitution at nucleotide position 9824. The glutamine at codon 3275 is replaced by arginine, an amino acid with highly similar properties. This amino acid position is conserved. In addition, this alteration is predicted to be tolerated by in silico analysis. Since supporting evidence is limited at this time, the clinical significance of this alteration remains unclear.

NM_005751.5(AKAP9):c.9824A>G (p.Gln3275Arg)

Gene: AKAP9 (A-kinase anchoring protein 9; plus strand). Cytogenetic location: 7q21.2.
Variant type: single nucleotide variant.
Coding change: c.9824A>G on transcript NM_005751.5 (MANE Select); coding-DNA position 9824, A replaced by G.
Protein change: p.Gln3275Arg; replaces glutamine 3275 with arginine.
Molecular consequence: missense variant.
Genome position (GRCh38, 1-based): chr7:92,096,783, A>G. VCF-style: chr7-92096783-A-G. GRCh37 (hg19) VCF-style: chr7-91726097-A-G.
Other names: c.4469A>G, p.Gln1490Arg (NM_001379277.1); c.9800A>G, p.Gln3267Arg (NM_147185.3); short protein forms Q1490R, Q3267R, Q3275R.
Identifiers: ClinVar variation 1768327 (VCV001768327.2), dbSNP rs1412898900, ClinGen allele CA368151572.